The following is an entry in ClinVar:

ClinVar aggregate classification (germline): Likely pathogenic (1 of 4 stars; one submission).

Submission:

Labcorp Genetics (formerly Invitae), Labcorp
Classification: Likely pathogenic. Last evaluated: 2026-01-12. Review status: criteria provided, single submitter. Criteria: Invitae Variant Classification Sherloc (09022015). Collection method: clinical testing. Allele origin: germline.
Comment: This sequence change affects a donor splice site in intron 9 of the CEP135 gene. It is expected to disrupt RNA splicing. Variants that disrupt the donor or acceptor splice site typically lead to a loss of protein function (PMID: 16199547), and loss-of-function variants in CEP135 are known to be pathogenic (PMID: 22521416, 26657937). This variant is not present in population databases (gnomAD no frequency). This variant has not been reported in the literature in individuals affected with CEP135-related conditions. ClinVar contains an entry for this variant (Variation ID: 1522070). Algorithms developed to predict the effect of sequence changes on RNA splicing suggest that this variant may disrupt the consensus splice site. In summary, the currently available evidence indicates that the variant is pathogenic, but additional data are needed to prove that conclusively. Therefore, this variant has been classified as Likely Pathogenic.

Literature cited by the submitters: PubMed 16199547; PubMed 22521416; PubMed 26657937.

NM_025009.5(CEP135):c.1110+1G>C

Gene: CEP135 (centrosomal protein 135; plus strand). Cytogenetic location: 4q12.
Variant type: single nucleotide variant.
Coding change: c.1110+1G>C on transcript NM_025009.5 (MANE Select); the canonical splice donor site of the intron after coding-DNA position 1110, G replaced by C.
Molecular consequence: splice donor variant.
Genome position (GRCh38, 1-based): chr4:55,969,129, G>C. VCF-style: chr4-55969129-G-C. GRCh37 (hg19) VCF-style: chr4-56835295-G-C.
Identifiers: ClinVar variation 1522070 (VCV001522070.8), dbSNP rs140039256, ClinGen allele CA356979981.